The following is an entry in ClinVar:

ClinVar aggregate classification (germline): Pathogenic (1 of 4 stars; one submission).

Conditions:
Muscular dystrophy-dystroglycanopathy type B6 (MDDGB6). Also called: MUSCULAR DYSTROPHY, CONGENITAL, LARGE-RELATED; MUSCULAR DYSTROPHY, CONGENITAL, TYPE 1D; MUSCULAR DYSTROPHY-DYSTROGLYCANOPATHY (CONGENITAL WITH IMPAIRED INTELLECTUAL DEVELOPMENT), TYPE B, 6. Identifiers: MedGen C1837229, MONDO:0012138, OMIM 608840.

Submission:

Labcorp Genetics (formerly Invitae), Labcorp
Classification: Pathogenic for Muscular dystrophy-dystroglycanopathy type B6. Last evaluated: 2023-03-18. Review status: criteria provided, single submitter. Criteria: Invitae Variant Classification Sherloc (09022015). Collection method: clinical testing. Allele origin: germline.
Comment: This sequence change creates a premature translational stop signal (p.Tyr558Thrfs*35) in the LARGE1 gene. It is expected to result in an absent or disrupted protein product. Loss-of-function variants in LARGE1 are known to be pathogenic (PMID: 12966029, 17878207). This variant is not present in population databases (gnomAD no frequency). For these reasons, this variant has been classified as Pathogenic. This variant has not been reported in the literature in individuals affected with LARGE1-related conditions.

Literature cited by the submitters: PubMed 12966029; PubMed 17878207.

NM_133642.5(LARGE1):c.1671del (p.Tyr558fs)

Gene: LARGE1 (LARGE xylosyl- and glucuronyltransferase 1; minus strand). Cytogenetic location: 22q12.3.
Variant type: Deletion.
Coding change: c.1671del on transcript NM_133642.5 (MANE Select); coding-DNA position 1671, one base deleted (C; older notation c.1671delC).
Protein change: p.Tyr558fs; shifts the reading frame from tyrosine 558.
Molecular consequence: frameshift variant.
Genome position (GRCh38, 1-based): chr22:33,304,288, G deleted on the plus strand (C on the coding strand, the reverse complement: LARGE1 is on the minus strand); the first of 3 consecutive G bases (chr22:33,304,288-33,304,290); deleting any one gives the same sequence. VCF-style (leftmost placement, unchanged base first): chr22-33304287-AG-A. GRCh37 (hg19) VCF-style: chr22-33700273-AG-A.
Other names: c.1671del, p.Tyr558fs (NM_001362949.2, NM_001362951.2, NM_001362953.2 and 6 more transcripts); c.1515del, p.Tyr506fs (NM_001378629.1); c.1068del, p.Tyr357fs (NM_001378630.1); c.912del, p.Tyr305fs (NM_001378631.1); short protein forms Y357fs, Y506fs, Y558fs, Y305fs.
Identifiers: ClinVar variation 2847272 (VCV002847272.3), dbSNP rs2546646656, ClinGen allele CA2739265654.